The following is an entry in ClinVar:

NM_003924.4(PHOX2B):c.771G>C (p.Ala257=)

Genes: PHOX2B (paired like homeobox 2B; minus strand), LOC110011216 (paired like homeobox 2b polyalanine repeat instability region; plus strand). Cytogenetic location: 4p13.
Variant type: single nucleotide variant.
Coding change: c.771G>C on transcript NM_003924.4 (MANE Select); coding-DNA position 771, G replaced by C.
Protein change: p.Ala257=; no amino-acid change (alanine 257 retained).
Molecular consequence: synonymous variant.
Genome position (GRCh38, 1-based): chr4:41,745,981, C>G on the plus strand (G>C on the coding strand, the complement: PHOX2B is on the minus strand). VCF-style: chr4-41745981-C-G. GRCh37 (hg19) VCF-style: chr4-41747998-C-G.
Identifiers: ClinVar variation 1088448 (VCV001088448.23), dbSNP rs772835924, ClinGen allele CA439142997.

ClinVar aggregate classification (germline): Likely benign. Review status: criteria provided, multiple submitters, no conflicts (2 of 4 stars). 3 submissions from 3 submitters: Likely benign (3). Last evaluated 2024-10-23.

Conditions:
Hereditary cancer-predisposing syndrome. Also called: Neoplastic Syndromes, Hereditary; Tumor predisposition; Hereditary neoplastic syndrome; Hereditary Cancer Syndrome. Identifiers: Orphanet 140162, MedGen C0027672, MeSH D009386, MONDO:0015356.
Haddad syndrome (OHD). Also called: Ondine-Hirschsprung disease. Identifiers: Orphanet 99803, MedGen C1859049, MONDO:0020493.

gnomAD v4.1: 2 of 1,257,360 alleles (0.00016%); highest among the groups gnomAD compares: Non-Finnish European, 0.0002%; no homozygotes.

Submissions (3):

Labcorp Genetics (formerly Invitae), Labcorp
Classification: Likely benign for Haddad syndrome. Last evaluated: 2024-10-23. Review status: criteria provided, single submitter. Criteria: Invitae Variant Classification Sherloc (09022015). Collection method: clinical testing. Allele origin: germline.

CeGaT Center for Human Genetics Tuebingen
Classification: Likely benign. Last evaluated: 2024-09-01. Review status: criteria provided, single submitter. Criteria: CeGaT Center For Human Genetics Tuebingen Variant Classification Criteria Version 2. Collection method: clinical testing. Allele origin: germline. Affected: yes. Observed: 1 variant allele.
Comment: PHOX2B: BP4, BP7

Ambry Genetics
Classification: Likely benign for Hereditary cancer-predisposing syndrome. Last evaluated: 2022-04-06. Review status: criteria provided, single submitter. Criteria: Ambry Variant Classification Scheme 2023. Collection method: clinical testing. Allele origin: germline.